The following is an entry in ClinVar:

NM_032444.4(SLX4):c.433G>A (p.Ala145Thr)

Gene: SLX4 (SLX4 structure-specific endonuclease subunit; minus strand). Cytogenetic location: 16p13.3.
Variant type: single nucleotide variant.
Coding change: c.433G>A on transcript NM_032444.4 (MANE Select); coding-DNA position 433, G replaced by A.
Protein change: p.Ala145Thr; replaces alanine 145 with threonine.
Molecular consequence: missense variant.
Genome position (GRCh38, 1-based): chr16:3,608,532, C>T on the plus strand (G>A on the coding strand, the complement: SLX4 is on the minus strand). VCF-style: chr16-3608532-C-T. GRCh37 (hg19) VCF-style: chr16-3658533-C-T.
Other names: short protein forms A145T.
Identifiers: ClinVar variation 1013756 (VCV001013756.8), dbSNP rs780711582, ClinGen allele CA7866872.
Genomic context (GRCh38, chr16:3,608,532, plus strand): 5'-GGTTACCCGTCTGGGTGTTTTGTGCTGTTTCCCGGAGCACAGGTGGATCTGGAGCAGAGG[C>T]AAGCACACCCCCCTCCCCATTCACAGAGTGGGCCGGTTCACTTGCTTGCCATTTGGTTAC-3'
Protein context (NP_115820.2, residues 135-155): HSVNGEGGVL[Ala145Thr]SAPDPPVLRE

ClinVar aggregate classification (germline): Uncertain significance (1 of 4 stars; one submission).

Conditions:
Fanconi anemia (FA). Also called: Fanconi's anemia. Identifiers: Orphanet 84, MedGen C0015625, MeSH D005199, MONDO:0019391.

Allele frequency attached by ClinVar (database versions not stated): ExAC 0.00001; gnomAD exomes 0.00001 and 0.00003.
gnomAD v4.1: 9 of 1,614,202 alleles (0.00056%); no homozygotes.

Submission:

Labcorp Genetics (formerly Invitae), Labcorp
Classification: Uncertain significance for Fanconi anemia. Last evaluated: 2026-01-26. Review status: criteria provided, single submitter. Criteria: Invitae Variant Classification Sherloc (09022015). Collection method: clinical testing. Allele origin: germline.
Comment: This sequence change replaces alanine, which is neutral and non-polar, with threonine, which is neutral and polar, at codon 145 of the SLX4 protein (p.Ala145Thr). This variant is present in population databases (rs780711582, gnomAD 0.03%). This variant has not been reported in the literature in individuals affected with SLX4-related conditions. ClinVar contains an entry for this variant (Variation ID: 1013756). An algorithm developed to predict the effect of missense changes on protein structure and function outputs the following: PolyPhen-2: "Benign". The threonine amino acid residue is found in multiple mammalian species, which suggests that this missense change does not adversely affect protein function. In summary, the available evidence is currently insufficient to determine the role of this variant in disease. Therefore, it has been classified as a Variant of Uncertain Significance.